The following is an entry in ClinVar:

ClinVar aggregate classification (germline): Uncertain significance. Review status: criteria provided, multiple submitters, no conflicts (2 of 4 stars). 2 submissions from 2 submitters: Uncertain significance (2). Last evaluated 2024-12-04.

Conditions:
Gnathodiaphyseal dysplasia (GDD). Also called: GNATHODIAPHYSEAL SCLEROSIS; OSTEOGENESIS IMPERFECTA WITH UNUSUAL SKELETAL LESIONS. Identifiers: Orphanet 53697, MedGen C1833736, MONDO:0008151, OMIM 166260.
Autosomal recessive limb-girdle muscular dystrophy type 2L (LGMDR12). Also called: Limb-girdle muscular dystrophy, type 2L; MUSCULAR DYSTROPHY, LIMB-GIRDLE, AUTOSOMAL RECESSIVE 12; Limb-Girdle Muscular Dystrophy R12 Anoctamin-5-Related (LGMD-R12). Identifiers: Orphanet 206549, MedGen C1969785, MONDO:0012652, OMIM 611307.

Submissions (2):

Labcorp Genetics (formerly Invitae), Labcorp
Classification: Uncertain significance for Autosomal recessive limb-girdle muscular dystrophy type 2L; Gnathodiaphyseal dysplasia. Last evaluated: 2024-12-04. Review status: criteria provided, single submitter. Criteria: Invitae Variant Classification Sherloc (09022015). Collection method: clinical testing. Allele origin: germline.
Comment: This sequence change replaces tryptophan, which is neutral and slightly polar, with arginine, which is basic and polar, at codon 363 of the ANO5 protein (p.Trp363Arg). This variant is not present in population databases (gnomAD no frequency). This variant has not been reported in the literature in individuals affected with ANO5-related conditions. ClinVar contains an entry for this variant (Variation ID: 1163335). Invitae Evidence Modeling of protein sequence and biophysical properties (such as structural, functional, and spatial information, amino acid conservation, physicochemical variation, residue mobility, and thermodynamic stability) indicates that this missense variant is expected to disrupt ANO5 protein function with a positive predictive value of 95%. In summary, the available evidence is currently insufficient to determine the role of this variant in disease. Therefore, it has been classified as a Variant of Uncertain Significance.

Mayo Clinic Laboratories, Mayo Clinic
Classification: Uncertain significance. Last evaluated: 2021-02-16. Review status: criteria provided, single submitter. Criteria: ACMG Guidelines, 2015. Collection method: clinical testing. Allele origin: germline. Observed: 1 variant allele.

NM_213599.3(ANO5):c.1087T>A (p.Trp363Arg)

Gene: ANO5 (anoctamin 5; plus strand). Cytogenetic location: 11p14.3.
Variant type: single nucleotide variant.
Coding change: c.1087T>A on transcript NM_213599.3 (MANE Select); coding-DNA position 1087, T replaced by A.
Protein change: p.Trp363Arg; replaces tryptophan 363 with arginine.
Molecular consequence: missense variant.
Genome position (GRCh38, 1-based): chr11:22,250,814, T>A. VCF-style: chr11-22250814-T-A. GRCh37 (hg19) VCF-style: chr11-22272360-T-A.
Other names: c.1084T>A, p.Trp362Arg (NM_001142649.2); short protein forms W362R, W363R.
Identifiers: ClinVar variation 1163335 (VCV001163335.7), dbSNP rs2133704271, ClinGen allele CA379921107.